The following is an entry in ClinVar:

NM_001134673.4(NFIA):c.289G>T (p.Gly97Trp)

Gene: NFIA (nuclear factor I A; plus strand). Cytogenetic location: 1p31.3.
Variant type: single nucleotide variant.
Coding change: c.289G>T on transcript NM_001134673.4 (MANE Select); coding-DNA position 289, G replaced by T.
Protein change: p.Gly97Trp; replaces glycine 97 with tryptophan.
Molecular consequence: missense variant.
Genome position (GRCh38, 1-based): chr1:61,088,410, G>T. VCF-style: chr1-61088410-G-T. GRCh37 (hg19) VCF-style: chr1-61554082-G-T.
Other names: c.265G>T, p.Gly89Trp (NM_001145511.2); c.424G>T, p.Gly142Trp (NM_001145512.2); c.289G>T, p.Gly97Trp (NM_005595.5); short protein forms G142W, G89W, G97W.
Identifiers: ClinVar variation 3367766 (VCV003367766.1).

ClinVar aggregate classification (germline): Uncertain significance (1 of 4 stars; one submission).

Submission:

GeneDx
Classification: Uncertain significance. Last evaluated: 2024-01-09. Review status: criteria provided, single submitter. Criteria: GeneDx Variant Classification Process June 2021. Collection method: clinical testing. Allele origin: germline. Affected: yes.
Comment: Not observed at significant frequency in large population cohorts (gnomAD); In silico analysis supports that this missense variant has a deleterious effect on protein structure/function; Has not been previously published as pathogenic or benign to our knowledge